The following is an entry in ClinVar:

ClinVar aggregate classification (germline): Pathogenic/Likely pathogenic. Review status: criteria provided, multiple submitters, no conflicts (2 of 4 stars). 8 submissions from 8 submitters: Pathogenic (6); Likely pathogenic (1). 1 of the submissions does not count toward it. Last evaluated 2026-03-17.

Conditions:
Mucopolysaccharidosis, MPS-III-A (MPS3A). Also called: HEPARAN SULFATE SULFATASE DEFICIENCY; MUCOPOLYSACCHARIDOSIS, TYPE IIIA, ATTENUATED; Mucopolysaccharidosis, type IIIA; SANFILIPPO SYNDROME A; SULFAMIDASE DEFICIENCY; Mucopolysaccharidosis type IIIA (Sanfilippo A). Identifiers: Orphanet 581, Orphanet 79269, MedGen C0086647, MONDO:0009655, OMIM 252900.

Allele frequency attached by ClinVar (database versions not stated): TOPMed 0.00002; gnomAD 0.00001.

Submissions (8):

Women's Health and Genetics/Laboratory Corporation of America, LabCorp
Classification: Pathogenic for Mucopolysaccharidosis, MPS-III-A. Last evaluated: 2026-03-17. Review status: criteria provided, single submitter. Criteria: LabCorp Variant Classification Summary - May 2015. Collection method: clinical testing. Allele origin: germline.
Comment: Variant summary: SGSH c.2T>C (p.Met1Thr) alters the initiation codon and is predicted to result either in absence of the protein or truncation of the encoded protein due to translation initiation at a downstream codon. The next in-frame methionine is located at codon 88. The frequency data for this variant in gnomAD is considered unreliable, as metrics indicate poor data quality at this position. c.2T>C has been observed in individual(s) affected with Mucopolysaccharidosis, MPS-III-A (Ouesleti_2011, Harmatz_2022). These data indicate that the variant may be associated with disease. To our knowledge, no experimental evidence demonstrating an impact on protein function has been reported. Multiple variants located at the same codon (p.Met1Val, p.Met1Leu) have been classified as pathogenic/likely Pathogenic, supporting a critical relevance of this residue to SGSH protein function. The following publications have been ascertained in the context of this evaluation (PMID: 35835061, 21910976). ClinVar contains an entry for this variant (Variation ID: 488839). Based on the evidence outlined above, the variant was classified as pathogenic.

Labcorp Genetics (formerly Invitae), Labcorp
Classification: Pathogenic for Mucopolysaccharidosis, MPS-III-A. Last evaluated: 2025-08-18. Review status: criteria provided, single submitter. Criteria: Invitae Variant Classification Sherloc (09022015). Collection method: clinical testing. Allele origin: germline.
Comment: This sequence change affects the initiator codon of the SGSH mRNA. This change may impact translation initiation or efficiency. The next in-frame methionine is located at codon 88. The frequency data for this variant in the population databases is considered unreliable, as metrics indicate poor data quality at this position in the gnomAD database. Disruption of the initiator codon has been observed in individuals with mucopolysaccharidosis type IIIA (PMID: 21204211, 21910976, 22976768). ClinVar contains an entry for this variant (Variation ID: 488839). This variant disrupts the p.Arg74 amino acid residue in SGSH. Other variant(s) that disrupt this residue have been determined to be pathogenic (PMID: 9285796, 9401012, 11343308, 28844463). This suggests that this residue is clinically significant, and that variants that disrupt this residue are likely to be disease-causing. For these reasons, this variant has been classified as Pathogenic.

Myriad Genetics, Inc.
Classification: Likely pathogenic for Mucopolysaccharidosis, MPS-III-A. Last evaluated: 2025-03-21. Review status: criteria provided, single submitter. Criteria: Myriad Autosomal Dominant, Autosomal Recessive and X-Linked Classification Criteria (2023). Collection method: clinical testing. Allele origin: unknown.
Comment: NM_000199.3(SGSH):c.2T>C(M1?) is an initiation codon variant classified as likely pathogenic in the context of mucopolysaccharidosis type IIIA. M1? has been observed in a case with relevant disease (PMID: 21910976). Relevant functional assessments of this variant are not available in the literature. M1? has been observed in referenced population frequency databases. In summary, NM_000199.3(SGSH):c.2T>C(M1?) is an initiation codon variant that has been observed more frequently in cases with the relevant disease than in healthy populations. Please note: this variant was assessed in the context of healthy population screening.

Natera, Inc.
Classification: Pathogenic for Mucopolysaccharidosis type IIIA. Last evaluated: 2024-12-04. Review status: criteria provided, single submitter. Criteria: Natera Variant Classification Schema (03/2026). Collection method: clinical testing. Allele origin: germline.
Comment: The c.2T>C variant in SGSH is predicted to result in start loss due to disruption of the initiator methionine. This variant is expected to result in nonsense mediated decay, truncation, or a dysfunctional protein product. This variant is rare in the general population with a frequency below the threshold expected for the associated phenotype(s). This variant has been observed in one or more individuals affected with the associated recessive disease, as either homozygous or compound heterozygous with a second variant (PMID: 21910976, 35835061). Given the available evidence, this variant is classified as Pathogenic.

GeneDx
Classification: Pathogenic. Last evaluated: 2024-10-17. Review status: criteria provided, single submitter. Criteria: GeneDx Variant Classification Process June 2021. Collection method: clinical testing. Allele origin: germline. Affected: yes.
Comment: Initiation codon variant in a gene for which loss of function is a known mechanism of disease; Not observed at significant frequency in large population cohorts (gnomAD); This variant is associated with the following publications: (PMID: 21910976)

Fulgent Genetics
Classification: Pathogenic for Mucopolysaccharidosis, MPS-III-A. Last evaluated: 2024-03-25. Review status: criteria provided, single submitter. Criteria: ACMG Guidelines, 2015. Collection method: clinical testing. Allele origin: germline.

Genome-Nilou Lab
Classification: Pathogenic for Mucopolysaccharidosis, MPS-III-A. Last evaluated: 2021-11-07. Review status: criteria provided, single submitter. Criteria: ACMG Guidelines, 2015. Collection method: clinical testing. Allele origin: germline. Affected: no.

Counsyl
Classification: Likely pathogenic for Mucopolysaccharidosis, MPS-III-A. Last evaluated: 2017-01-17. Review status: no assertion criteria provided. Collection method: clinical testing. Allele origin: unknown. Not counted in ClinVar's aggregate classification.

Literature cited by the submitters: PubMed 21910976 (cited by 5 submitters); PubMed 35835061 (cited by Women's Health and Genetics/Laboratory Corporation of America, LabCorp and Natera, Inc.); PubMed 21204211 (cited by Labcorp Genetics (formerly Invitae), Labcorp); PubMed 22976768 (cited by Labcorp Genetics (formerly Invitae), Labcorp); PubMed 9285796 (cited by Labcorp Genetics (formerly Invitae), Labcorp); PubMed 9401012 (cited by Labcorp Genetics (formerly Invitae), Labcorp); PubMed 11343308 (cited by Labcorp Genetics (formerly Invitae), Labcorp); PubMed 28844463 (cited by Labcorp Genetics (formerly Invitae), Labcorp).

NM_000199.5(SGSH):c.2T>C (p.Met1Thr)

Genes: SGSH (N-sulfoglucosamine sulfohydrolase; minus strand), LOC130061900 (ATAC-STARR-seq lymphoblastoid silent region 9102; plus strand). Cytogenetic location: 17q25.3.
Variant type: single nucleotide variant.
Coding change: c.2T>C on transcript NM_000199.5 (MANE Select); coding-DNA position 2, T replaced by C.
Protein change: p.Met1Thr; changes the start codon (methionine 1).
Molecular consequence: missense variant, initiator codon variant. On other transcripts: non-coding transcript variant (1).
Genome position (GRCh38, 1-based): chr17:80,220,312, A>G on the plus strand (T>C on the coding strand, the complement: SGSH is on the minus strand). VCF-style: chr17-80220312-A-G. GRCh37 (hg19) VCF-style: chr17-78194111-A-G.
Other names: c.2T>C, p.Met1Thr (NM_001352921.3, NM_001352922.2); c.2T>C (NM_000199.4); short protein forms M1T.
Identifiers: ClinVar variation 488839 (VCV000488839.21), dbSNP rs1488660868, ClinGen allele CA401365704.